The following is an entry in ClinVar:

ClinVar aggregate classification (germline): Uncertain significance (1 of 4 stars; one submission).

Conditions:
Cardiovascular phenotype. Identifiers: MedGen CN230736.

Allele frequency attached by ClinVar (database versions not stated): gnomAD exomes below 0.00001; gnomAD 0.00001; TOPMed 0.00001; ExAC 0.00002.
gnomAD v4.1: 6 of 1,612,660 alleles (0.00037%); highest among the groups gnomAD compares: African/African-American, 0.0067%; no homozygotes.

Submission:

Ambry Genetics
Classification: Uncertain significance for Cardiovascular phenotype. Last evaluated: 2022-09-28. Review status: criteria provided, single submitter. Criteria: Ambry Variant Classification Scheme 2023. Collection method: clinical testing. Allele origin: germline.
Comment: The p.K255E variant (also known as c.763A>G), located in coding exon 2 of the SHOC2 gene, results from an A to G substitution at nucleotide position 763. The lysine at codon 255 is replaced by glutamic acid, an amino acid with similar properties. This amino acid position is conserved. In addition, this alteration is predicted to be tolerated by in silico analysis. Since supporting evidence is limited at this time, the clinical significance of this alteration remains unclear.

NM_007373.4(SHOC2):c.763A>G (p.Lys255Glu)

Gene: SHOC2 (SHOC2 leucine rich repeat scaffold protein; plus strand). Cytogenetic location: 10q25.2.
Variant type: single nucleotide variant.
Coding change: c.763A>G on transcript NM_007373.4 (MANE Select); coding-DNA position 763, A replaced by G.
Protein change: p.Lys255Glu; replaces lysine 255 with glutamic acid.
Molecular consequence: missense variant. On other transcripts: non-coding transcript variant (1), intron variant (1).
Genome position (GRCh38, 1-based): chr10:110,985,687, A>G. VCF-style: chr10-110985687-A-G. GRCh37 (hg19) VCF-style: chr10-112745445-A-G.
Other names: c.763A>G, p.Lys255Glu (NM_001324336.2, NM_001324337.2); c.704-14728A>G (NM_001269039.3); short protein forms K255E.
Identifiers: ClinVar variation 1759923 (VCV001759923.2), dbSNP rs750303150, ClinGen allele CA5689632.